The following is an entry in ClinVar:

NM_004415.4(DSP):c.7186T>A (p.Tyr2396Asn)

Gene: DSP (desmoplakin; plus strand). Cytogenetic location: 6p24.3.
Variant type: single nucleotide variant.
Coding change: c.7186T>A on transcript NM_004415.4 (MANE Select); coding-DNA position 7186, T replaced by A.
Protein change: p.Tyr2396Asn; replaces tyrosine 2396 with asparagine.
Molecular consequence: missense variant.
Genome position (GRCh38, 1-based): chr6:7,584,448, T>A. VCF-style: chr6-7584448-T-A. GRCh37 (hg19) VCF-style: chr6-7584681-T-A.
Other names: c.5389T>A, p.Tyr1797Asn (NM_001008844.3); c.5857T>A, p.Tyr1953Asn (NM_001319034.2); c.7186T>A (LRG_423t1); short protein forms Y2396N, Y1797N, Y1953N.
Identifiers: ClinVar variation 217831 (VCV000217831.8), dbSNP rs863225268, ClinGen allele CA279613.
Genomic context (GRCh38, chr6:7,584,448, plus strand): 5'-GGGATCATTGACCCAAAGGAGAGCCATCGTTTACCAGTTGACATAGCATATAAGAGGGGC[T>A]ATTTCAATGAGGAACTCAGTGAGATTCTCTCAGATCCAAGTGATGATACCAAAGGATTTT-3'
Protein context (NP_004406.2, residues 2386-2406): LPVDIAYKRG[Tyr2396Asn]FNEELSEILS

ClinVar aggregate classification (germline): Uncertain significance. Review status: criteria provided, multiple submitters, no conflicts (2 of 4 stars). 3 submissions from 3 submitters: Uncertain significance (3). Last evaluated 2023-06-26.

Conditions:
Paroxysmal familial ventricular fibrillation. Also called: Idiopathic ventricular fibrillation, non Brugada type. Identifiers: Orphanet 228140, MedGen C0340493, MONDO:0100234.
Arrhythmogenic cardiomyopathy with wooly hair and keratoderma. Also called: Carvajal syndrome; Dilated cardiomyopathy with woolly hair and keratoderma; PALMOPLANTAR KERATODERMA WITH LEFT VENTRICULAR CARDIOMYOPATHY AND WOOLLY HAIR; Arrhythmogenic cardiomyopathy with woolly hair and keratoderma. Identifiers: Orphanet 65282, MedGen C1854063, MONDO:0011581, OMIM 605676.
Arrhythmogenic right ventricular dysplasia 8 (ARVD8). Also called: Arrhythmogenic Right Ventricular Dysplasia/Cardiomyopathy 8; ARRHYTHMOGENIC RIGHT VENTRICULAR DYSPLASIA, FAMILIAL, 8; ARRHYTHMOGENIC RIGHT VENTRICULAR CARDIOMYOPATHY 8. Identifiers: MedGen C1843896, MONDO:0011831, OMIM 607450.

Allele frequency attached by ClinVar (database versions not stated): gnomAD exomes below 0.00001.
gnomAD v4.1: 3 of 1,614,170 alleles (0.00019%); highest among the groups gnomAD compares: Non-Finnish European, 0.00025%; no homozygotes.

Submissions (3):

All of Us Research Program, National Institutes of Health
Classification: Uncertain significance for Arrhythmogenic cardiomyopathy with wooly hair and keratoderma. Last evaluated: 2023-06-26. Review status: criteria provided, single submitter. Criteria: ACMG Guidelines, 2015. Collection method: clinical testing. Allele origin: germline. Inheritance: Autosomal dominant inheritance. Observed: 1 variant allele, 1 heterozygote.
Comment: This missense variant replaces tyrosine with asparagine at codon 2396 of the DSP protein. Computational prediction suggests that this variant may have deleterious impact on protein structure and function (internally defined REVEL score threshold >= 0.7, PMID: 27666373). To our knowledge, functional studies have not been reported for this variant. This variant has not been reported in individuals affected with DSP-related disorders in the literature. This variant has been identified in 1/251450 chromosomes in the general population by the Genome Aggregation Database (gnomAD). The available evidence is insufficient to determine the role of this variant in disease conclusively. Therefore, this variant is classified as a Variant of Uncertain Significance.

This study involves interpretation of variants in research participants for the purpose of population health screening. Participant phenotype was not available at the time of variant classification. Additional details can be found in publication PMID: 35346344, PMCID: PMC8962531

Labcorp Genetics (formerly Invitae), Labcorp
Classification: Uncertain significance for Arrhythmogenic cardiomyopathy with wooly hair and keratoderma; Arrhythmogenic right ventricular dysplasia 8. Last evaluated: 2022-04-20. Review status: criteria provided, single submitter. Criteria: Invitae Variant Classification Sherloc (09022015). Collection method: clinical testing. Allele origin: germline.
Comment: In summary, the available evidence is currently insufficient to determine the role of this variant in disease. Therefore, it has been classified as a Variant of Uncertain Significance. Algorithms developed to predict the effect of missense changes on protein structure and function (SIFT, PolyPhen-2, Align-GVGD) all suggest that this variant is likely to be disruptive. This sequence change replaces tyrosine, which is neutral and polar, with asparagine, which is neutral and polar, at codon 2396 of the DSP protein (p.Tyr2396Asn). ClinVar contains an entry for this variant (Variation ID: 217831). This variant has not been reported in the literature in individuals affected with DSP-related conditions. This variant is present in population databases (no rsID available, gnomAD 0.0009%).

Agnes Ginges Centre for Molecular Cardiology, Centenary Institute
Classification: Uncertain significance for Idiopathic ventricular fibrillation. Last evaluated: 2015-08-12. Review status: criteria provided, single submitter. Criteria: Agnes Ginges Centre for Molecular Cardiology criteria (2015). Collection method: research. Allele origin: germline. Inheritance: Autosomal dominant inheritance. Affected: yes.
Comment: The DSP Tyr2396Asn is a novel variant. It is absent from both the 1000 genomes project, and the Exome Aggregation Consortium dataset. Both patients also have a second variant (LMNA Thr27Ser) which is classified as a variant of "uncertain significance". Computational tools SIFT, MutationTaster, and PolyPhen-2 predict this variant to have a deleterious effect. Based on its absence in the general population and our limited familial data, we classify DSP Tyr2396Asn as variant of "uncertain significance".